The following is an entry in ClinVar:

ClinVar aggregate classification (germline): Uncertain significance (1 of 4 stars; one submission).

Submission:

Labcorp Genetics (formerly Invitae), Labcorp
Classification: Uncertain significance. Last evaluated: 2022-06-20. Review status: criteria provided, single submitter. Criteria: Invitae Variant Classification Sherloc (09022015). Collection method: clinical testing. Allele origin: germline.
Comment: In summary, the available evidence is currently insufficient to determine the role of this variant in disease. Therefore, it has been classified as a Variant of Uncertain Significance. Advanced modeling of protein sequence and biophysical properties (such as structural, functional, and spatial information, amino acid conservation, physicochemical variation, residue mobility, and thermodynamic stability) performed at Invitae indicates that this missense variant is not expected to disrupt MYO7A protein function. This variant has not been reported in the literature in individuals affected with MYO7A-related conditions. This variant is not present in population databases (gnomAD no frequency). This sequence change replaces tyrosine, which is neutral and polar, with phenylalanine, which is neutral and non-polar, at codon 827 of the MYO7A protein (p.Tyr827Phe).

NM_000260.4(MYO7A):c.2480A>T (p.Tyr827Phe)

Gene: MYO7A (myosin VIIA; plus strand). Cytogenetic location: 11q13.5.
Variant type: single nucleotide variant.
Coding change: c.2480A>T on transcript NM_000260.4 (MANE Select); coding-DNA position 2480, A replaced by T.
Protein change: p.Tyr827Phe; replaces tyrosine 827 with phenylalanine.
Molecular consequence: missense variant.
Genome position (GRCh38, 1-based): chr11:77,179,847, A>T. VCF-style: chr11-77179847-A-T. GRCh37 (hg19) VCF-style: chr11-76890893-A-T.
Other names: c.2480A>T, p.Tyr827Phe (NM_001127180.2); c.2447A>T, p.Tyr816Phe (NM_001369365.1); short protein forms Y827F, Y816F.
Identifiers: ClinVar variation 2008684 (VCV002008684.4), dbSNP rs782474674, ClinGen allele CA381941753.